The following is an entry in ClinVar:

NM_024417.5(FDXR):c.381C>T (p.His127=)

Gene: FDXR (ferredoxin reductase; minus strand). Cytogenetic location: 17q25.1.
Variant type: single nucleotide variant.
Coding change: c.381C>T on transcript NM_024417.5 (MANE Select); coding-DNA position 381, C replaced by T.
Protein change: p.His127=; no amino-acid change (histidine 127 retained).
Molecular consequence: synonymous variant. On other transcripts: non-coding transcript variant (1), intron variant (1).
Genome position (GRCh38, 1-based): chr17:74,866,458, G>A on the plus strand (C>T on the coding strand, the complement: FDXR is on the minus strand). VCF-style: chr17-74866458-G-A. GRCh37 (hg19) VCF-style: chr17-72862580-G-A.
Other names: c.510C>T, p.His170= (NM_001258012.4); c.474C>T, p.His158= (NM_001258013.4); c.357C>T, p.His119= (NM_001258014.4); c.225C>T, p.His75= (NM_001258016.3); c.381C>T, p.His127= (NM_004110.6); c.274-214C>T (NM_001258015.3).
Identifiers: ClinVar variation 2648240 (VCV002648240.25), dbSNP rs374317439, ClinGen allele CA8753244.

ClinVar aggregate classification (germline): Likely benign. Review status: criteria provided, multiple submitters, no conflicts (2 of 4 stars). 2 submissions from 2 submitters: Likely benign (2). Last evaluated 2024-10-17.

Allele frequency attached by ClinVar (database versions not stated): gnomAD exomes 0.00003; ExAC 0.00005; TOPMed 0.00006; ESP Exome Variant Server 0.00008; gnomAD 0.00009; 1000 Genomes Project 30x 0.00016; 1000 Genomes Project 0.00020.
gnomAD v4.1: 53 of 1,613,196 alleles (0.0033%); highest among the groups gnomAD compares: South Asian, 0.011%; no homozygotes.

Submissions (2):

Blueprint Genetics
Classification: Likely benign. Last evaluated: 2024-10-17. Review status: criteria provided, single submitter. Criteria: ACMG Guidelines, 2015. Collection method: clinical testing. Allele origin: germline.

CeGaT Center for Human Genetics Tuebingen
Classification: Likely benign. Last evaluated: 2022-11-01. Review status: criteria provided, single submitter. Criteria: CeGaT Center For Human Genetics Tuebingen Variant Classification Criteria Version 2. Collection method: clinical testing. Allele origin: germline. Affected: yes. Observed: 1 variant allele.
Comment: FDXR: BP4, BP7